The following is an entry in ClinVar:

ClinVar aggregate classification (germline): Uncertain significance (1 of 4 stars; one submission).

Conditions:
Cardiovascular phenotype. Identifiers: MedGen CN230736.

Submission:

Ambry Genetics
Classification: Uncertain significance for Cardiovascular phenotype. Last evaluated: 2019-03-05. Review status: criteria provided, single submitter. Criteria: Ambry Variant Classification Scheme 2023. Collection method: clinical testing. Allele origin: germline.
Comment: The p.N3000Y variant (also known as c.8998A>T), located in coding exon 10 of the ALMS1 gene, results from an A to T substitution at nucleotide position 8998. The asparagine at codon 3000 is replaced by tyrosine, an amino acid with dissimilar properties. This amino acid position is not well conserved in available vertebrate species. In addition, this alteration is predicted to be tolerated by in silico analysis. Since supporting evidence is limited at this time, the clinical significance of this alteration remains unclear.

NM_001378454.1(ALMS1):c.8995A>T (p.Asn2999Tyr)

Gene: ALMS1 (ALMS1 centrosome and basal body associated protein; plus strand). Cytogenetic location: 2p13.1.
Variant type: single nucleotide variant.
Coding change: c.8995A>T on transcript NM_001378454.1 (MANE Select); coding-DNA position 8995, A replaced by T.
Protein change: p.Asn2999Tyr; replaces asparagine 2999 with tyrosine.
Molecular consequence: missense variant.
Genome position (GRCh38, 1-based): chr2:73,490,954, A>T. VCF-style: chr2-73490954-A-T. GRCh37 (hg19) VCF-style: chr2-73718081-A-T.
Other names: c.8998A>T, p.Asn3000Tyr (NM_015120.4); short protein forms N2999Y, N3000Y.
Identifiers: ClinVar variation 1765368 (VCV001765368.2), dbSNP rs2466218733, ClinGen allele CA347272214.